The following is an entry in ClinVar:

NM_001303256.3(MORC2):c.919C>T (p.Arg307Trp)

Gene: MORC2 (MORC family CW-type zinc finger 2; minus strand). Cytogenetic location: 22q12.2.
Variant type: single nucleotide variant.
Coding change: c.919C>T on transcript NM_001303256.3 (MANE Select); coding-DNA position 919, C replaced by T.
Protein change: p.Arg307Trp; replaces arginine 307 with tryptophan.
Molecular consequence: missense variant.
Genome position (GRCh38, 1-based): chr22:30,940,027, G>A on the plus strand (C>T on the coding strand, the complement: MORC2 is on the minus strand). VCF-style: chr22-30940027-G-A. GRCh37 (hg19) VCF-style: chr22-31336014-G-A.
Other names: c.919C>T, p.Arg307Trp (NM_001303257.2); c.733C>T, p.Arg245Trp (NM_014941.3); short protein forms R245W, R307W.
Identifiers: ClinVar variation 1046847 (VCV001046847.8), dbSNP rs772692197, ClinGen allele CA10187103.
Genomic context (GRCh38, chr22:30,940,027, plus strand): 5'-CCCGCGTGAGGTCTCCACCTAGGCGTACTTCTAATGTCCGAGCTTTGCTCTCTGCCTCCC[G>A]CGCCTTCTCTTCAGCTGAAACCCAGAAGAGAACATGGTAAGAAATGCAAAGGTTCAAAAC-3'
Protein context (NP_001290185.1, residues 297-317): HVARIAEEKA[Arg307Trp]EAESKARTLE

ClinVar aggregate classification (germline): Uncertain significance (1 of 4 stars; one submission).

Conditions:
Charcot-Marie-Tooth disease axonal type 2Z. Also called: CHARCOT-MARIE-TOOTH DISEASE, AXONAL, AUTOSOMAL DOMINANT, TYPE 2Z; CHARCOT-MARIE-TOOTH NEUROPATHY, TYPE 2Z. Identifiers: Orphanet 466768, MedGen C5569025, MONDO:0014736, OMIM 616688.

Allele frequency attached by ClinVar (database versions not stated): ExAC 0.00001; gnomAD 0.00002 and 0.00003; gnomAD exomes 0.00002 and 0.00003; TOPMed 0.00003.

Submission:

Labcorp Genetics (formerly Invitae), Labcorp
Classification: Uncertain significance for Charcot-Marie-Tooth disease axonal type 2Z. Last evaluated: 2024-10-22. Review status: criteria provided, single submitter. Criteria: Invitae Variant Classification Sherloc (09022015). Collection method: clinical testing. Allele origin: germline.
Comment: This sequence change replaces arginine, which is basic and polar, with tryptophan, which is neutral and slightly polar, at codon 307 of the MORC2 protein (p.Arg307Trp). This variant is present in population databases (rs772692197, gnomAD 0.007%). This variant has not been reported in the literature in individuals affected with MORC2-related conditions. ClinVar contains an entry for this variant (Variation ID: 1046847). Invitae Evidence Modeling of protein sequence and biophysical properties (such as structural, functional, and spatial information, amino acid conservation, physicochemical variation, residue mobility, and thermodynamic stability) has been performed for this missense variant. However, the output from this modeling did not meet the statistical confidence thresholds required to predict the impact of this variant on MORC2 protein function. In summary, the available evidence is currently insufficient to determine the role of this variant in disease. Therefore, it has been classified as a Variant of Uncertain Significance.